The following is an entry in ClinVar:

ClinVar aggregate classification (germline): Likely pathogenic (1 of 4 stars; one submission).

Submission:

GeneDx
Classification: Likely pathogenic. Last evaluated: 2018-10-16. Review status: criteria provided, single submitter. Criteria: GeneDx Variant Classification (06012015). Collection method: clinical testing. Allele origin: germline. Affected: yes.
Comment: The c.8947_8948dupTG variant in the SPEG gene has not been reported previously as a pathogenic variant nor as a benign variant, to our knowledge. The c.8947_8948dupTG variant causes a frameshift starting with codon Arginine 2984, changes this amino acid to a Alanine residue, and creates a premature Stop codon at position 102 of the new reading frame, denoted p.Arg2984AlafsX102. This variant is predicted to cause loss of normal protein function either through protein truncation or nonsense-mediated mRNA decay. The c.8947_8948dupTG variant is not observed in large population cohorts (Lek et al., 2016). We interpret c.8947_8948dupTG as a likely pathogenic variant.

NM_005876.5(SPEG):c.8947_8948dup (p.Arg2984fs)

Genes: ASIC4-AS1 (ASIC4 antisense RNA 1; minus strand), SPEG (striated muscle enriched protein kinase; plus strand). Cytogenetic location: 2q35.
Variant type: Duplication.
Coding change: c.8947_8948dup on transcript NM_005876.5 (MANE Select); coding-DNA positions 8947 to 8948, 2 bases duplicated (TG; older notation c.8947_8948dupTG).
Protein change: p.Arg2984fs; shifts the reading frame from arginine 2984.
Molecular consequence: frameshift variant.
Genome position (GRCh38, 1-based): chr2:219,490,434-219,490,435, TG duplicated; duplicating any 2 consecutive bases within chr2:219,490,433-219,490,435 gives the same sequence; the c. name uses the placement nearest the transcript's 3' end. VCF-style (leftmost placement, unchanged base first): chr2-219490432-C-CGT. GRCh37 (hg19) VCF-style: chr2-220355154-C-CGT.
Other names: short protein forms R2984fs.
Identifiers: ClinVar variation 817249 (VCV000817249.1), dbSNP rs1575201609, ClinGen allele CA915941759.